The following is an entry in ClinVar:

ClinVar aggregate classification (germline): Uncertain significance. Review status: criteria provided, multiple submitters, no conflicts (2 of 4 stars). 2 submissions from 2 submitters: Uncertain significance (2). Last evaluated 2026-06-08.

Submissions (2):

Women's Health and Genetics/Laboratory Corporation of America, LabCorp
Classification: Uncertain significance. Last evaluated: 2026-06-08. Review status: criteria provided, single submitter. Criteria: LabCorp Variant Classification Summary - May 2015. Collection method: clinical testing. Allele origin: germline.
Comment: Variant summary: AUTS2 c.2278G>A (p.Ala760Thr) results in a non-conservative amino acid change in the encoded protein sequence. Algorithms developed to predict the effect of missense changes on protein structure and function are either unavailable or do not agree on the potential impact of this missense change. The variant was absent in 251492 control chromosomes. The available data on variant occurrences in the general population are insufficient to allow any conclusion about variant significance. To our knowledge, no occurrence of c.2278G>A in individuals affected with AUTS2-related conditions and no experimental evidence demonstrating its impact on protein function have been reported. No submitters have cited clinical-significance assessments for this variant to ClinVar. Based on the evidence outlined above, the variant was classified as uncertain significance.

Blueprint Genetics
Classification: Uncertain significance. Last evaluated: 2022-11-23. Review status: criteria provided, single submitter. Criteria: ACMG Guidelines, 2015. Collection method: clinical testing. Allele origin: germline.

NM_015570.4(AUTS2):c.2278G>A (p.Ala760Thr)

Gene: AUTS2 (activator of transcription and developmental regulator AUTS2; plus strand). Cytogenetic location: 7q11.22.
Variant type: single nucleotide variant.
Coding change: c.2278G>A on transcript NM_015570.4 (MANE Select); coding-DNA position 2278, G replaced by A.
Protein change: p.Ala760Thr; replaces alanine 760 with threonine.
Molecular consequence: missense variant.
Genome position (GRCh38, 1-based): chr7:70,786,008, G>A. VCF-style: chr7-70786008-G-A. GRCh37 (hg19) VCF-style: chr7-70250994-G-A.
Other names: c.2206G>A, p.Ala736Thr (NM_001127231.3); short protein forms A736T, A760T.
Identifiers: ClinVar variation 4887452 (VCV004887452.2).